The following is an entry in ClinVar:

ClinVar aggregate classification (germline): Uncertain significance (1 of 4 stars; one submission).

Submission:

Labcorp Genetics (formerly Invitae), Labcorp
Classification: Uncertain significance. Last evaluated: 2023-08-17. Review status: criteria provided, single submitter. Criteria: Invitae Variant Classification Sherloc (09022015). Collection method: clinical testing. Allele origin: germline.
Comment: Advanced modeling of protein sequence and biophysical properties (such as structural, functional, and spatial information, amino acid conservation, physicochemical variation, residue mobility, and thermodynamic stability) performed at Invitae indicates that this missense variant is not expected to disrupt POLE protein function. In summary, the available evidence is currently insufficient to determine the role of this variant in disease. Therefore, it has been classified as a Variant of Uncertain Significance. ClinVar contains an entry for this variant (Variation ID: 1438464). This variant has not been reported in the literature in individuals affected with POLE-related conditions. This variant is not present in population databases (gnomAD no frequency). This sequence change replaces serine, which is neutral and polar, with threonine, which is neutral and polar, at codon 1902 of the POLE protein (p.Ser1902Thr).

NM_006231.4(POLE):c.5704T>A (p.Ser1902Thr)

Gene: POLE (DNA polymerase epsilon, catalytic subunit; minus strand). Cytogenetic location: 12q24.33.
Variant type: single nucleotide variant.
Coding change: c.5704T>A on transcript NM_006231.4 (MANE Select); coding-DNA position 5704, T replaced by A.
Protein change: p.Ser1902Thr; replaces serine 1902 with threonine.
Molecular consequence: missense variant.
Genome position (GRCh38, 1-based): chr12:132,635,999, A>T on the plus strand (T>A on the coding strand, the complement: POLE is on the minus strand). VCF-style: chr12-132635999-A-T. GRCh37 (hg19) VCF-style: chr12-133212585-A-T.
Other names: short protein forms S1902T.
Identifiers: ClinVar variation 1438464 (VCV001438464.6), dbSNP rs2138486890, ClinGen allele CA387373211.